The following is an entry in ClinVar:

NM_003002.4(SDHD):c.314+1G>C

Gene: SDHD (succinate dehydrogenase complex subunit D; plus strand). Cytogenetic location: 11q23.1.
Variant type: single nucleotide variant.
Coding change: c.314+1G>C on transcript NM_003002.4 (MANE Select); the canonical splice donor site of the intron after coding-DNA position 314, G replaced by C.
Molecular consequence: splice donor variant. On other transcripts: intron variant (1).
Genome position (GRCh38, 1-based): chr11:112,089,012, G>C. VCF-style: chr11-112089012-G-C. GRCh37 (hg19) VCF-style: chr11-111959736-G-C.
Other names: c.314+1G>C (NM_001276506.2); c.169+1039G>C (NM_001276503.2); c.197+1G>C (NM_001276504.2).
Identifiers: ClinVar variation 1728082 (VCV001728082.2), dbSNP rs1555187083, ClinGen allele CA382617439.
Genomic context (GRCh38, chr11:112,089,012, plus strand): 5'-GAATCCTTGCTCTGCGATGGACTATTCCCTGGCTGCAGCCCTCACTCTTCATGGTCACTG[G>C]CAAGTATAGCAATTCCAAATATAGTTGTCTGCTCAGTTTGTTTGCTGTGAGCTTGTCTTA-3'

ClinVar aggregate classification (germline): Pathogenic (1 of 4 stars; one submission).

Conditions:
Hereditary cancer-predisposing syndrome. Also called: Tumor predisposition; Neoplastic Syndromes, Hereditary; Hereditary Cancer Syndrome; Hereditary neoplastic syndrome. Identifiers: Orphanet 140162, MedGen C0027672, MeSH D009386, MONDO:0015356.

Submission:

Ambry Genetics
Classification: Pathogenic for Hereditary cancer-predisposing syndrome. Last evaluated: 2020-05-28. Review status: criteria provided, single submitter. Criteria: Ambry Variant Classification Scheme 2023. Collection method: clinical testing. Allele origin: germline.
Comment: The c.314+1G>C intronic pathogenic mutation results from a G to C substitution one nucleotide after coding exon 3 of the SDHD gene. This mutation has been identified in an individual with bilateral relapsing jugulo-tympanic paraganglioma (Persu A et al. J. Hypertens., 2008 Jul;26:1395-401). In addition to the clinical data presented in the literature, alterations that disrupt the canonical splice site are expected to cause aberrant splicing, resulting in an abnormal protein or a transcript that is subject to nonsense-mediated mRNA decay. As such, this alteration is classified as a disease-causing mutation.

Literature cited by the submitters: PubMed 18551016.